The following is an entry in ClinVar:

ClinVar aggregate classification (germline): Uncertain significance (1 of 4 stars; one submission).

Conditions:
Joubert syndrome 21 (JBTS21). Identifiers: MedGen C3810212, MONDO:0014288, OMIM 615636.

Allele frequency attached by ClinVar (database versions not stated): TOPMed 0.00001.

Submission:

Labcorp Genetics (formerly Invitae), Labcorp
Classification: Uncertain significance for Joubert syndrome 21. Last evaluated: 2022-03-04. Review status: criteria provided, single submitter. Criteria: Invitae Variant Classification Sherloc (09022015). Collection method: clinical testing. Allele origin: germline.
Comment: In summary, the available evidence is currently insufficient to determine the role of this variant in disease. Therefore, it has been classified as a Variant of Uncertain Significance. Algorithms developed to predict the effect of missense changes on protein structure and function are either unavailable or do not agree on the potential impact of this missense change (SIFT: "Deleterious"; PolyPhen-2: "Benign"; Align-GVGD: "Class C0"). This variant has not been reported in the literature in individuals affected with CSPP1-related conditions. This variant is not present in population databases (gnomAD no frequency). This sequence change replaces proline, which is neutral and non-polar, with threonine, which is neutral and polar, at codon 936 of the CSPP1 protein (p.Pro936Thr).

NM_001382391.1(CSPP1):c.2821C>A (p.Pro941Thr)

Gene: CSPP1 (centrosome and spindle pole associated protein 1; plus strand). Cytogenetic location: 8q13.2.
Variant type: single nucleotide variant.
Coding change: c.2821C>A on transcript NM_001382391.1 (MANE Select); coding-DNA position 2821, C replaced by A.
Protein change: p.Pro941Thr; replaces proline 941 with threonine.
Molecular consequence: missense variant.
Genome position (GRCh38, 1-based): chr8:67,164,501, C>A. VCF-style: chr8-67164501-C-A. GRCh37 (hg19) VCF-style: chr8-68076736-C-A.
Other names: c.1771C>A, p.Pro591Thr (NM_001291339.2); c.2740C>A, p.Pro914Thr (NM_001363131.2); c.2626C>A, p.Pro876Thr (NM_001363132.2); c.2545C>A, p.Pro849Thr (NM_001363133.2); c.2887C>A, p.Pro963Thr (NM_001364869.1); c.2707C>A, p.Pro903Thr (NM_001364870.1); c.2806C>A, p.Pro936Thr (NM_024790.7); short protein forms P903T, P591T, P876T, P914T, P941T, P849T, P936T, P963T.
Identifiers: ClinVar variation 2105948 (VCV002105948.2), dbSNP rs1314777791, ClinGen allele CA371193557.